The following is an entry in ClinVar:

NM_017777.4(MKS1):c.418-39_444del

Gene: MKS1 (MKS transition zone complex subunit 1; minus strand). Cytogenetic location: 17q22.
Variant type: Deletion.
Coding change: c.418-39_444del on transcript NM_017777.4 (MANE Select); 39 bases into the intron before coding-DNA position 418 through coding-DNA position 444, 66 bases deleted.
Molecular consequence: splice acceptor variant. On other transcripts: intron variant (1).
Genome position (GRCh38, 1-based): chr17:58,214,812-58,214,877, 66 bases deleted. GRCh37 (hg19): chr17:56,292,175-56,292,240.
Other names: c.-94-490_-94-425del (NM_001321268.2); c.418-39_444del (NM_001330397.2, NM_001321269.2, NM_001411113.1).
Identifiers: ClinVar variation 4815911 (VCV004815911.1).

ClinVar aggregate classification (germline): Likely pathogenic (1 of 4 stars; one submission).

Conditions:
Meckel syndrome, type 1 (MKS1). Also called: MECKEL-GRUBER SYNDROME, TYPE 1. Identifiers: Orphanet 564, MedGen C3714506, MONDO:0009571, OMIM 249000.

Submission:

Natera, Inc.
Classification: Likely pathogenic for Meckel syndrome type 1. Last evaluated: 2025-11-10. Review status: criteria provided, single submitter. Criteria: Natera Variant Classification Schema (03/2026). Collection method: clinical testing. Allele origin: germline.
Comment: The c.418-39_444del variant in MKS1 is a deletion affecting a canonical splice acceptor site. This variant is expected to result in nonsense mediated decay, truncation, or a dysfunctional protein product. This variant is rare in the general population with a frequency below the threshold expected for the associated phenotype(s). Given the available evidence, this variant is classified as Likely Pathogenic.